The following is an entry in ClinVar:

NM_001953.5(TYMP):c.1158T>C (p.Asp386=)

Genes: SCO2 (synthesis of cytochrome C oxidase 2; minus strand), TYMP (thymidine phosphorylase; minus strand), LOC130067862 (ATAC-STARR-seq lymphoblastoid silent region 13986; plus strand). Cytogenetic location: 22q13.33.
Variant type: single nucleotide variant.
Coding change: c.1158T>C on transcript NM_001953.5 (MANE Select); coding-DNA position 1158, T replaced by C.
Protein change: p.Asp386=; no amino-acid change (aspartic acid 386 retained).
Molecular consequence: synonymous variant. On other transcripts: 5 prime UTR variant (1).
Genome position (GRCh38, 1-based): chr22:50,526,247, A>G on the plus strand (T>C on the coding strand, the complement: TYMP is on the minus strand). VCF-style: chr22-50526247-A-G. GRCh37 (hg19) VCF-style: chr22-50964676-A-G.
Other names: c.1158T>C, p.Asp386= (NM_001113755.3, NM_001113756.3, NM_001257988.1 and 1 more transcripts); c.-15T>C (NM_001169109.2).
Identifiers: ClinVar variation 2418649 (VCV002418649.40), dbSNP rs1447493584, ClinGen allele CA515387435.

ClinVar aggregate classification (germline): Uncertain significance (1 of 4 stars; one submission).

Allele frequency attached by ClinVar (database versions not stated): gnomAD 0.00001; TOPMed below 0.00001.

Submission:

Labcorp Genetics (formerly Invitae), Labcorp
Classification: Uncertain significance. Last evaluated: 2022-10-05. Review status: criteria provided, single submitter. Criteria: Invitae Variant Classification Sherloc (09022015). Collection method: clinical testing. Allele origin: germline.
Comment: This sequence change affects codon 386 of the TYMP mRNA. It is a 'silent' change, meaning that it does not change the encoded amino acid sequence of the TYMP protein. It affects a nucleotide within the consensus splice site. This variant is present in population databases (no rsID available, gnomAD 0.02%). This variant has not been reported in the literature in individuals affected with TYMP-related conditions. Algorithms developed to predict the effect of sequence changes on RNA splicing suggest that this variant is not likely to affect RNA splicing. In summary, the available evidence is currently insufficient to determine the role of this variant in disease. Therefore, it has been classified as a Variant of Uncertain Significance.